The following is an entry in ClinVar:

NM_000070.3(CAPN3):c.2301del (p.Met768fs)

Gene: CAPN3 (calpain 3; plus strand). Cytogenetic location: 15q15.1.
Variant type: Deletion.
Coding change: c.2301del on transcript NM_000070.3 (MANE Select); coding-DNA position 2301, one base deleted (C; older notation c.2301delC).
Protein change: p.Met768fs; shifts the reading frame from methionine 768.
Molecular consequence: frameshift variant.
Genome position (GRCh38, 1-based): chr15:42,410,921, C deleted; the last of 2 consecutive C bases (chr15:42,410,920-42,410,921); deleting either gives the same sequence. VCF-style (leftmost placement, unchanged base first): chr15-42410919-AC-A. GRCh37 (hg19) VCF-style: chr15-42703117-AC-A.
Other names: c.2283del, p.Met762fs (NM_024344.2); c.2025del, p.Met676fs (NM_173087.2); c.765del, p.Met256fs (NM_173088.2); c.306del, p.Met103fs (NM_173089.2, NM_173090.2); short protein forms M103fs, M762fs, M768fs, M256fs, M676fs.
Identifiers: ClinVar variation 1455177 (VCV001455177.6), dbSNP rs2141225604, ClinGen allele CA2573150715.

ClinVar aggregate classification (germline): Pathogenic (1 of 4 stars; one submission).

Conditions:
Autosomal recessive limb-girdle muscular dystrophy type 2A (LGMDR1). Also called: Limb-girdle muscular dystrophy, type 2A; LEYDEN-MOEBIUS MUSCULAR DYSTROPHY; MUSCULAR DYSTROPHY, PELVOFEMORAL; Calpainopathy; Muscular dystrophy, limb-girdle, type 2A, Amish. Identifiers: Orphanet 267, MedGen C1869123, MONDO:0009675, OMIM 253600. Disease mechanism: loss of function.

Submission:

Labcorp Genetics (formerly Invitae), Labcorp
Classification: Pathogenic for Autosomal recessive limb-girdle muscular dystrophy type 2A. Last evaluated: 2023-08-21. Review status: criteria provided, single submitter. Criteria: Invitae Variant Classification Sherloc (09022015). Collection method: clinical testing. Allele origin: germline.
Comment: For these reasons, this variant has been classified as Pathogenic. This sequence change creates a premature translational stop signal (p.Met768Cysfs*8) in the CAPN3 gene. It is expected to result in an absent or disrupted protein product. Loss-of-function variants in CAPN3 are known to be pathogenic (PMID: 10330340, 15689361). This variant is not present in population databases (gnomAD no frequency). This variant has not been reported in the literature in individuals affected with CAPN3-related conditions. ClinVar contains an entry for this variant (Variation ID: 1455177).

Literature cited by the submitters: PubMed 10330340; PubMed 15689361.